The following is an entry in ClinVar:

NM_004994.3(MMP9):c.782A>G (p.Asn261Ser)

Gene: MMP9 (matrix metallopeptidase 9; plus strand). Cytogenetic location: 20q13.12.
Variant type: single nucleotide variant.
Coding change: c.782A>G on transcript NM_004994.3 (MANE Select); coding-DNA position 782, A replaced by G.
Protein change: p.Asn261Ser; replaces asparagine 261 with serine.
Molecular consequence: missense variant.
Genome position (GRCh38, 1-based): chr20:46,011,275, A>G. VCF-style: chr20-46011275-A-G. GRCh37 (hg19) VCF-style: chr20-44639914-A-G.
Other names: short protein forms N261S.
Identifiers: ClinVar variation 896095 (VCV000896095.10), dbSNP rs144229833, ClinGen allele CA9886502.

ClinVar aggregate classification (germline): Conflicting classifications of pathogenicity. Review status: criteria provided, conflicting classifications (1 of 4 stars). 4 submissions from 4 submitters: Uncertain significance (2); Benign (1). 1 of the submissions does not count toward it. Last evaluated 2026-01-17.

Conditions:
Metaphyseal anadysplasia 2 (MANDP2). Also called: Metaphyseal anadysplasia 2, autosomal recessive. Identifiers: Orphanet 1040, MedGen C2751322, MONDO:0013113, OMIM 613073.

Allele frequency attached by ClinVar (database versions not stated): TOPMed 0.00017; ESP Exome Variant Server 0.00023.
gnomAD v4.1: 239 of 1,610,116 alleles (0.015%); highest among the groups gnomAD compares: Non-Finnish European, 0.002%; no homozygotes.

Submissions (4):

Labcorp Genetics (formerly Invitae), Labcorp
Classification: Benign. Last evaluated: 2026-01-17. Review status: criteria provided, single submitter. Criteria: Invitae Variant Classification Sherloc (09022015). Collection method: clinical testing. Allele origin: germline.

Illumina Laboratory Services, Illumina
Classification: Uncertain significance for Metaphyseal anadysplasia 2. Last evaluated: 2018-01-13. Review status: criteria provided, single submitter. Criteria: ICSL Variant Classification Criteria 13 December 2019. Collection method: clinical testing. Allele origin: germline.

Breakthrough Genomics
Classification: Uncertain significance. Review status: criteria provided, single submitter. Criteria: ACMG Guidelines, 2015. Collection method: not provided. Allele origin: germline. Inheritance: Autosomal dominant inheritance. Affected: yes.

Department of Pathology and Laboratory Medicine, Sinai Health System
Classification: Uncertain significance. Review status: no assertion criteria provided. Collection method: clinical testing. Allele origin: unknown. Affected: yes. Study: The Canadian Open Genetics Repository (COGR). Not counted in ClinVar's aggregate classification.
Comment: The MMP9 p.Asn261Ser variant was not identified in the literature nor was it identified in ClinVar, Cosmic or LOVD 3.0. The variant was identified in dbSNP (ID: rs144229833) and in control databases in 80 of 280262 chromosomes at a frequency of 0.000285 (Genome Aggregation Database Feb 27, 2017). The variant was observed in the following populations: Ashkenazi Jewish in 71 of 10348 chromosomes (freq: 0.006861), Other in 3 of 7192 chromosomes (freq: 0.000417) and European (non-Finnish) in 6 of 128732 chromosomes (freq: 0.000047), but was not observed in the African, Latino, East Asian, European (Finnish) or South Asian populations. The p.Asn261 residue is not conserved in mammals and four out of five computational analyses (PolyPhen-2, SIFT, AlignGVGD, BLOSUM, MutationTaster) do not suggest a high likelihood of impact to the protein; however, this information is not predictive enough to rule out pathogenicity. The variant occurs outside of the splicing consensus sequence and in silico or computational prediction software programs (SpliceSiteFinder, MaxEntScan, NNSPLICE, GeneSplicer) do not predict a difference in splicing. In summary, based on the above information the clinical significance of this variant cannot be determined with certainty at this time. This variant is classified as a variant of uncertain significance.